The following is an entry in ClinVar:

NM_004818.3(DDX23):c.1361C>T (p.Thr454Ile)

Gene: DDX23 (DEAD-box helicase 23; minus strand). Cytogenetic location: 12q13.12.
Variant type: single nucleotide variant.
Coding change: c.1361C>T on transcript NM_004818.3 (MANE Select); coding-DNA position 1361, C replaced by T.
Protein change: p.Thr454Ile; replaces threonine 454 with isoleucine.
Molecular consequence: missense variant.
Genome position (GRCh38, 1-based): chr12:48,836,142, G>A on the plus strand (C>T on the coding strand, the complement: DDX23 is on the minus strand). VCF-style: chr12-48836142-G-A. GRCh37 (hg19) VCF-style: chr12-49229925-G-A.
Other names: c.1361C>T (NM_004818.2); short protein forms T454I.
Identifiers: ClinVar variation 1701707 (VCV001701707.3), dbSNP rs2137484031, ClinGen allele CA384673227.
Genomic context (GRCh38, chr12:48,836,142, plus strand): 5'-CCAGACAAACCCACTCCAGCTGGTGCTAGCTGACCTCACCTGTCAATTTTGGGAAGTGTG[G>A]TGATCCAGACCAGCAGAGGGATGAGGAAGGCTGCTGTCTTGCCACTGCCAGTCTCAGCCA-3'
Protein context (NP_004809.2, residues 444-464): AFLIPLLVWI[Thr454Ile]TLPKIDRIEE

ClinVar aggregate classification (germline): Uncertain significance. Review status: criteria provided, multiple submitters, no conflicts (2 of 4 stars). 2 submissions from 2 submitters: Uncertain significance (2). Last evaluated 2022-07-20.

Conditions:
DDX23-related Neurodevelopmental disorder.

Submissions (2):

GeneDx
Classification: Uncertain significance. Last evaluated: 2022-07-20. Review status: criteria provided, single submitter. Criteria: GeneDx Variant Classification Process June 2021. Collection method: clinical testing. Allele origin: germline. Affected: yes.
Comment: Not observed at significant frequency in large population cohorts (gnomAD); In silico analysis supports that this missense variant has a deleterious effect on protein structure/function; Has not been previously published as pathogenic or benign to our knowledge

New York Genome Center
Classification: Uncertain significance for DDX23-related Neurodevelopmental disorder. Last evaluated: 2022-02-05. Review status: criteria provided, single submitter. Criteria: NYGC Assertion Criteria 2020. Collection method: clinical testing. Allele origin: inherited. Observed: 1 heterozygote. Study: CSER-NYCKidSeq.